The following is an entry in ClinVar:

NM_001356.5(DDX3X):c.1268A>G (p.Glu423Gly)

Gene: DDX3X (DEAD-box helicase 3 X-linked; plus strand). Cytogenetic location: Xp11.4.
Variant type: single nucleotide variant.
Coding change: c.1268A>G on transcript NM_001356.5 (MANE Select); coding-DNA position 1268, A replaced by G.
Protein change: p.Glu423Gly; replaces glutamic acid 423 with glycine.
Molecular consequence: missense variant. On other transcripts: non-coding transcript variant (1).
Genome position (GRCh38, 1-based): chrX:41,345,501, A>G. VCF-style: chrX-41345501-A-G. GRCh37 (hg19) VCF-style: chrX-41204754-A-G.
Other names: c.1268A>G, p.Glu423Gly (NM_001193416.3); c.1220A>G, p.Glu407Gly (NM_001193417.3); c.710A>G, p.Glu237Gly (NM_001363819.1); short protein forms E407G, E237G, E423G.
Identifiers: ClinVar variation 1443833 (VCV001443833.37), dbSNP rs2147356732, ClinGen allele CA412773445.
Genomic context (GRCh38, chrX:41,345,501, plus strand): 5'-TGGCTGTAGGAAGAGTTGGCTCTACCTCTGAAAACATCACACAGAAAGTAGTTTGGGTGG[A>G]AGAATCAGACAAACGGTCATTTCTGCTTGACCTCCTAAATGCAACAGGTAACATTATGAA-3'
Protein context (NP_001347.3, residues 413-433): ENITQKVVWV[Glu423Gly]ESDKRSFLLD

ClinVar aggregate classification (germline): Uncertain significance. Review status: criteria provided, multiple submitters, no conflicts (2 of 4 stars). 2 submissions from 2 submitters: Uncertain significance (2). Last evaluated 2022-09-01.

Submissions (2):

CeGaT Center for Human Genetics Tuebingen
Classification: Uncertain significance. Last evaluated: 2022-09-01. Review status: criteria provided, single submitter. Criteria: CeGaT Center For Human Genetics Tuebingen Variant Classification Criteria Version 2. Collection method: clinical testing. Allele origin: germline. Affected: yes. Observed: 1 variant allele.
Comment: DDX3X: PM2, PP2

Labcorp Genetics (formerly Invitae), Labcorp
Classification: Uncertain significance. Last evaluated: 2022-08-09. Review status: criteria provided, single submitter. Criteria: Invitae Variant Classification Sherloc (09022015). Collection method: clinical testing. Allele origin: germline.
Comment: In summary, the available evidence is currently insufficient to determine the role of this variant in disease. Therefore, it has been classified as a Variant of Uncertain Significance. Algorithms developed to predict the effect of missense changes on protein structure and function are either unavailable or do not agree on the potential impact of this missense change (SIFT: "Tolerated"; PolyPhen-2: "Not Available"; Align-GVGD: "Class C0"). ClinVar contains an entry for this variant (Variation ID: 1443833). This variant has not been reported in the literature in individuals affected with DDX3X-related conditions. This variant is not present in population databases (gnomAD no frequency). This sequence change replaces glutamic acid, which is acidic and polar, with glycine, which is neutral and non-polar, at codon 423 of the DDX3X protein (p.Glu423Gly).